The following is an entry in ClinVar:

ClinVar aggregate classification (germline): Likely benign (1 of 4 stars; one submission).

Submission:

CeGaT Center for Human Genetics Tuebingen
Classification: Likely benign. Last evaluated: 2026-06-01. Review status: criteria provided, single submitter. Criteria: CeGaT Center For Human Genetics Tuebingen Variant Classification Criteria Version 2. Collection method: clinical testing. Allele origin: germline. Affected: yes. Observed: 1 variant allele.
Comment: MAPK8IP3: BS1

NM_001318852.2(MAPK8IP3):c.602+32_602+56del

Gene: MAPK8IP3 (mitogen-activated protein kinase 8 interacting protein 3; plus strand). Cytogenetic location: 16p13.3.
Variant type: Deletion.
Coding change: c.602+32_602+56del on transcript NM_001318852.2 (MANE Select); bases 32 to 56 of the intron after coding-DNA position 602, 25 bases deleted (GGGGCGCGGCGGGGCGGAGGTACGC).
Molecular consequence: intron variant.
Genome position (GRCh38, 1-based): chr16:1,729,610-1,729,634, GGGGCGCGGCGGGGCGGAGGTACGC deleted; deleting any 25 consecutive bases within chr16:1,729,600-1,729,634 gives the same sequence; the c. name uses the placement nearest the transcript's 3' end. VCF-style (leftmost placement, unchanged base first): chr16-1729599-TGGAGGTACGCGGGGCGCGGCGGGGC-T. GRCh37 (hg19) VCF-style: chr16-1779600-TGGAGGTACGCGGGGCGCGGCGGGGC-T.
Other names: c.602+32_602+56del (NM_015133.5, NM_001040439.2).
Identifiers: ClinVar variation 4872952 (VCV004872952.2).